The following is an entry in ClinVar:

NM_000548.5(TSC2):c.2157T>G (p.Tyr719Ter)

Gene: TSC2 (TSC complex subunit 2; plus strand). Cytogenetic location: 16p13.3.
Variant type: single nucleotide variant.
Coding change: c.2157T>G on transcript NM_000548.5 (MANE Select); coding-DNA position 2157, T replaced by G.
Protein change: p.Tyr719Ter; replaces tyrosine 719 with a stop codon.
Molecular consequence: nonsense.
Genome position (GRCh38, 1-based): chr16:2,072,300, T>G. VCF-style: chr16-2072300-T-G. GRCh37 (hg19) VCF-style: chr16-2122301-T-G.
Other names: c.2157T>G, p.Tyr719Ter (NM_001077183.3, NM_001114382.3, NM_001363528.2 and 3 more transcripts); c.2046T>G, p.Tyr682Ter (NM_001318827.2); c.2010T>G, p.Tyr670Ter (NM_001318829.2); c.1557T>G, p.Tyr519Ter (NM_001318831.2); c.2190T>G, p.Tyr730Ter (NM_001318832.2); c.2157T>G (NM_000548.4); short protein forms Y519*, Y670*, Y682*, Y719*, Y730*.
Identifiers: ClinVar variation 1701269 (VCV001701269.32), dbSNP rs902456479, ClinGen allele CA394274860.

ClinVar aggregate classification (germline): Pathogenic. Review status: criteria provided, multiple submitters, no conflicts (2 of 4 stars). 2 submissions from 2 submitters: Pathogenic (2). Last evaluated 2025-01-30.

Conditions:
TSC2-related disorder. Also called: TSC2-related condition; TSC2-Related Disorders.

Submissions (2):

PreventionGenetics, part of Exact Sciences
Classification: Pathogenic for TSC2-related condition. Last evaluated: 2025-01-30. Review status: criteria provided, single submitter. Criteria: ACMG Guidelines, 2015. Collection method: clinical testing. Allele origin: germline.
Comment: The TSC2 c.2157T>G variant is predicted to result in premature protein termination (p.Tyr719*). To our knowledge, this variant has not been reported in the literature or in a large population database (gnomAD), indicating this variant is rare. However, another nucleotide change also resulting in nonsense at this position (c.2157T>A, p.Tyr719*) has been reported in a patient with tuberous sclerosis (Table S3 in Suspitsin et al. 2018. PubMed ID: 29476190). Nonsense variants in TSC2 are expected to be pathogenic. This variant is interpreted as pathogenic.

CeGaT Center for Human Genetics Tuebingen
Classification: Pathogenic. Last evaluated: 2022-07-01. Review status: criteria provided, single submitter. Criteria: CeGaT Center For Human Genetics Tuebingen Variant Classification Criteria Version 2. Collection method: clinical testing. Allele origin: germline. Affected: yes. Observed: 1 variant allele.
Comment: TSC2: PVS1, PM2